The following is an entry in ClinVar:

NM_032608.7(MYO18B):c.6848C>T (p.Thr2283Met)

Gene: MYO18B (myosin XVIIIB; plus strand). Cytogenetic location: 22q12.1.
Variant type: single nucleotide variant.
Coding change: c.6848C>T on transcript NM_032608.7 (MANE Select); coding-DNA position 6848, C replaced by T.
Protein change: p.Thr2283Met; replaces threonine 2283 with methionine.
Molecular consequence: missense variant.
Genome position (GRCh38, 1-based): chr22:26,026,822, C>T. VCF-style: chr22-26026822-C-T. GRCh37 (hg19) VCF-style: chr22-26422788-C-T.
Other names: c.6851C>T, p.Thr2284Met (NM_001318245.2); short protein forms T2284M, T2283M.
Identifiers: ClinVar variation 1945466 (VCV001945466.5), dbSNP rs374097014, ClinGen allele CA10161632.
Genomic context (GRCh38, chr22:26,026,822, plus strand): 5'-AGAGAGGCCAGGGGTCCACGCTGGGCCTAGAGGACTGGCCCACTCTCCCCATTTACCAGA[C>T]GACTGGGGCCTCCACACTAAGGAGGGGCAGGGCTGGCAGTGACGAGGGAAACCTCTCGCT-3'
Protein context (NP_115997.5, residues 2273-2293): EDWPTLPIYQ[Thr2283Met]TGASTLRRGR

ClinVar aggregate classification (germline): Uncertain significance (1 of 4 stars; one submission).

Allele frequency attached by ClinVar (database versions not stated): ExAC 0.00001; gnomAD exomes 0.00001; TOPMed 0.00001; gnomAD 0.00004; ESP Exome Variant Server 0.00008.
gnomAD v4.1: 23 of 1,592,298 alleles (0.0014%); highest among the groups gnomAD compares: African/African-American, 0.0068%; no homozygotes.

Submission:

Labcorp Genetics (formerly Invitae), Labcorp
Classification: Uncertain significance. Last evaluated: 2022-11-22. Review status: criteria provided, single submitter. Criteria: Invitae Variant Classification Sherloc (09022015). Collection method: clinical testing. Allele origin: germline.
Comment: This variant is present in population databases (rs374097014, gnomAD 0.004%). This sequence change replaces threonine, which is neutral and polar, with methionine, which is neutral and non-polar, at codon 2283 of the MYO18B protein (p.Thr2283Met). This variant has not been reported in the literature in individuals affected with MYO18B-related conditions. Algorithms developed to predict the effect of missense changes on protein structure and function are either unavailable or do not agree on the potential impact of this missense change (SIFT: "Not Available"; PolyPhen-2: "Probably Damaging"; Align-GVGD: "Not Available"). In summary, the available evidence is currently insufficient to determine the role of this variant in disease. Therefore, it has been classified as a Variant of Uncertain Significance.